The following is an entry in ClinVar:

NM_024426.6(WT1):c.248C>T (p.Ala83Val)

Genes: WT1 (WT1 transcription factor; minus strand), LOC107982234 (WT1/WT1-AS bi-directional promoter region; plus strand). Cytogenetic location: 11p13.
Variant type: single nucleotide variant.
Coding change: c.248C>T on transcript NM_024426.6 (MANE Select); coding-DNA position 248, C replaced by T.
Protein change: p.Ala83Val; replaces alanine 83 with valine.
Molecular consequence: missense variant. On other transcripts: non-coding transcript variant (1).
Genome position (GRCh38, 1-based): chr11:32,435,113, G>A on the plus strand (C>T on the coding strand, the complement: WT1 is on the minus strand). VCF-style: chr11-32435113-G-A. GRCh37 (hg19) VCF-style: chr11-32456659-G-A.
Other names: c.248C>T, p.Ala83Val (NM_000378.6, NM_024424.5); short protein forms A83V.
Identifiers: ClinVar variation 476698 (VCV000476698.13), dbSNP rs1278102757, ClinGen allele CA379966071.
Genomic context (GRCh38, chr11:32,435,113, plus strand): 5'-CCGCTCACAGGCAGGGCACAGCCGCCGCCGCCACCCAGGGAGGGGACGGCGGGCAGCAGC[G>A]CGTTCAGGTCCCGCACGTCGGAGCCCATTTGCTGCGGCTCAGACCCGGACGCCCCGCGGC-3'
Protein context (NP_077744.4, residues 73-93): QMGSDVRDLN[Ala83Val]LLPAVPSLGG

ClinVar aggregate classification (germline): Uncertain significance. Review status: criteria provided, multiple submitters, no conflicts (2 of 4 stars). 3 submissions from 3 submitters: Uncertain significance (3). Last evaluated 2025-07-30.

Conditions:
Wilms tumor 1 (WT1). Also called: Wilms tumor, somatic. Identifiers: Orphanet 654, MedGen CN033288, MONDO:0008679, OMIM 194070.
Drash syndrome (DDS). Also called: NEPHROPATHY, WILMS TUMOR, AND GENITAL ANOMALIES; WILMS TUMOR AND PSEUDO- OR TRUE HERMAPHRODITISM. Identifiers: Orphanet 220, MedGen C0950121, MONDO:0008682, OMIM 194080.
11p partial monosomy syndrome (WAGR). Also called: WAGR Spectrum Disorder; CHROMOSOME 11p13 DELETION SYNDROME; WAGR syndrome; WAGR Complex. Identifiers: Orphanet 893, MedGen C0206115, MONDO:0008681, OMIM 194072.
Frasier syndrome. Identifiers: Orphanet 347, MedGen C0950122, MeSH D052159, MONDO:0007635, OMIM 136680.
Meacham syndrome. Also called: Meacham Winn Culler syndrome. Identifiers: Orphanet 3097, MedGen C1837026, MONDO:0012164, OMIM 608978.
Nephrotic syndrome, type 4 (NPHS4). Also called: Familial mesangial sclerosis; Nephrotic syndrome, early onset with diffuse mesangial sclerosis. Identifiers: Orphanet 656, MedGen C3151568, MONDO:0009733, OMIM 256370.
Mesothelioma, malignant (MESOM). Also called: Malignant mesothelioma (disease). Identifiers: Orphanet 50251, MedGen C0345967, MONDO:0006292, OMIM 156240, HP:0100001.
Inborn genetic diseases. Identifiers: MedGen C0950123, MeSH D030342.

Allele frequency attached by ClinVar (database versions not stated): TOPMed below 0.00001; gnomAD exomes 0.00001 and 0.00002.
gnomAD v4.1: 4 of 1,509,302 alleles (0.00027%); highest among the groups gnomAD compares: Non-Finnish European, 0.00035%; no homozygotes.

Submissions (3):

Labcorp Genetics (formerly Invitae), Labcorp
Classification: Uncertain significance for Wilms tumor 1; Drash syndrome; 11p partial monosomy syndrome; Frasier syndrome. Last evaluated: 2025-07-30. Review status: criteria provided, single submitter. Criteria: Invitae Variant Classification Sherloc (09022015). Collection method: clinical testing. Allele origin: germline.
Comment: This sequence change replaces alanine, which is neutral and non-polar, with valine, which is neutral and non-polar, at codon 78 of the WT1 protein (p.Ala78Val). The frequency data for this variant in the population databases is considered unreliable, as metrics indicate poor data quality at this position in the gnomAD database. This variant has not been reported in the literature in individuals affected with WT1-related conditions. ClinVar contains an entry for this variant (Variation ID: 476698). Invitae Evidence Modeling of protein sequence and biophysical properties (such as structural, functional, and spatial information, amino acid conservation, physicochemical variation, residue mobility, and thermodynamic stability) indicates that this missense variant is not expected to disrupt WT1 protein function with a negative predictive value of 95%. In summary, the available evidence is currently insufficient to determine the role of this variant in disease. Therefore, it has been classified as a Variant of Uncertain Significance.

Ambry Genetics
Classification: Uncertain significance for Inborn genetic diseases. Last evaluated: 2025-02-12. Review status: criteria provided, single submitter. Criteria: Ambry Variant Classification Scheme 2023. Collection method: clinical testing. Allele origin: germline.
Comment: The p.A78V variant (also known as c.233C>T), located in coding exon 1 of the WT1 gene, results from a C to T substitution at nucleotide position 233. The alanine at codon 78 is replaced by valine, an amino acid with similar properties. This amino acid position is not well conserved in available vertebrate species. In addition, this alteration is predicted to be tolerated by in silico analysis. Based on the available evidence, the clinical significance of this variant remains unclear.

Fulgent Genetics
Classification: Uncertain significance for Frasier syndrome; Mesothelioma, malignant; Wilms tumor 1; Drash syndrome; Nephrotic syndrome, type 4; Meacham syndrome. Last evaluated: 2024-01-23. Review status: criteria provided, single submitter. Criteria: ACMG Guidelines, 2015. Collection method: clinical testing. Allele origin: germline.